The following is an entry in ClinVar:

ClinVar aggregate classification (germline): Likely benign. Review status: criteria provided, multiple submitters, no conflicts (2 of 4 stars). 2 submissions from 2 submitters: Likely benign (2). Last evaluated 2025-09-03.

gnomAD v4.1: 1 of 1,613,300 alleles (0.000062%); highest among the groups gnomAD compares: Non-Finnish European, 0.000085%; no homozygotes.

Submissions (2):

Labcorp Genetics (formerly Invitae), Labcorp
Classification: Likely benign. Last evaluated: 2025-09-03. Review status: criteria provided, single submitter. Criteria: Invitae Variant Classification Sherloc (09022015). Collection method: clinical testing. Allele origin: germline.

CeGaT Center for Human Genetics Tuebingen
Classification: Likely benign. Last evaluated: 2025-09-01. Review status: criteria provided, single submitter. Criteria: CeGaT Center For Human Genetics Tuebingen Variant Classification Criteria Version 2. Collection method: clinical testing. Allele origin: germline. Affected: yes. Observed: 1 variant allele.
Comment: EIF2AK3: BP4, BP7

NM_004836.7(EIF2AK3):c.2292T>C (p.Ser764=)

Genes: EIF2AK3 (eukaryotic translation initiation factor 2 alpha kinase 3; minus strand), EIF2AK3-AS1 (EIF2AK3 antisense RNA 1; plus strand). Cytogenetic location: 2p11.2.
Variant type: single nucleotide variant.
Coding change: c.2292T>C on transcript NM_004836.7 (MANE Select); coding-DNA position 2292, T replaced by C.
Protein change: p.Ser764=; no amino-acid change (serine 764 retained).
Molecular consequence: synonymous variant. On other transcripts: non-coding transcript variant (1).
Genome position (GRCh38, 1-based): chr2:88,575,191, A>G on the plus strand (T>C on the coding strand, the complement: EIF2AK3 is on the minus strand). VCF-style: chr2-88575191-A-G. GRCh37 (hg19) VCF-style: chr2-88874709-A-G.
Other names: c.1839T>C, p.Ser613= (NM_001313915.2).
Identifiers: ClinVar variation 2907928 (VCV002907928.10), dbSNP rs747601591, ClinGen allele CA427445298.